The following is an entry in ClinVar:

NM_001267550.2(TTN):c.3835A>T (p.Met1279Leu)

Genes: TTN (titin; minus strand), LOC101927055 (uncharacterized LOC101927055; plus strand). Cytogenetic location: 2q31.2.
Variant type: single nucleotide variant.
Coding change: c.3835A>T on transcript NM_001267550.2 (MANE Select); coding-DNA position 3835, A replaced by T.
Protein change: p.Met1279Leu; replaces methionine 1279 with leucine.
Molecular consequence: missense variant.
Genome position (GRCh38, 1-based): chr2:178,779,357, T>A on the plus strand (A>T on the coding strand, the complement: TTN is on the minus strand). VCF-style: chr2-178779357-T-A. GRCh37 (hg19) VCF-style: chr2-179644084-T-A.
Other names: p.M1279L:ATG>TTG; c.3835A>T, p.Met1279Leu (NM_001256850.1, NM_133378.4, NM_133379.5); c.3697A>T, p.Met1233Leu (NM_003319.4, NM_133432.3, NM_133437.4); short protein forms M1279L, M1233L.
Identifiers: ClinVar variation 203120 (VCV000203120.27), dbSNP rs374497665, ClinGen allele CA311304.

ClinVar aggregate classification (germline): Conflicting classifications of pathogenicity. Review status: criteria provided, conflicting classifications (1 of 4 stars). 10 submissions from 10 submitters: Uncertain significance (6); Likely benign (4). Last evaluated 2026-07-07.

Conditions:
TTN-related disorder. Also called: TTN-related condition; TTN-related disease; TTN-related disorders.
Cardiovascular phenotype. Identifiers: MedGen CN230736.
Dilated cardiomyopathy 1G (CMD1G). Identifiers: Orphanet 154, MedGen C1858763, MONDO:0011400, OMIM 604145.
Autosomal recessive limb-girdle muscular dystrophy type 2J (LGMDR10). Also called: Limb-girdle muscular dystrophy, type 2J; MUSCULAR DYSTROPHY, LIMB-GIRDLE, AUTOSOMAL RECESSIVE 10. Identifiers: Orphanet 140922, MedGen C1837342, MONDO:0012127, OMIM 608807.
Hypertrophic cardiomyopathy 9. Also called: Familial hypertrophic cardiomyopathy 9. Identifiers: MedGen C1861065, MONDO:0013412, OMIM 613765.

Allele frequency attached by ClinVar (database versions not stated): ESP Exome Variant Server 0.00008; gnomAD exomes 0.00009 and 0.00026; gnomAD 0.00012 and 0.00014; TOPMed 0.00016; 1000 Genomes Project 0.00020; 1000 Genomes Project 30x 0.00031; ExAC 0.00034.

Submissions (10):

PreventionGenetics, part of Exact Sciences
Classification: Uncertain significance for TTN-related condition. Last evaluated: 2026-07-07. Review status: criteria provided, single submitter. Criteria: ACMG Guidelines, 2015. Collection method: clinical testing. Allele origin: germline.
Comment: The TTN c.3835A>T variant is predicted to result in the amino acid substitution p.Met1279Leu. To our knowledge, this variant has not been reported in the literature. This variant is reported in 0.14% of alleles in individuals of Latino descent in gnomAD, which is likely too common to be a primary cause of disease. Although we suspect that this variant may be benign, at this time, the clinical significance of this variant is uncertain due to the absence of conclusive functional and genetic evidence.

Greenwood Genetic Center Diagnostic Laboratories, Greenwood Genetic Center
Classification: Uncertain significance. Last evaluated: 2026-04-08. Review status: criteria provided, single submitter. Criteria: ACMG Guidelines, 2015. Collection method: clinical testing. Allele origin: germline.
Comment: PM2, BP4, PP2

Labcorp Genetics (formerly Invitae), Labcorp
Classification: Likely benign for Dilated cardiomyopathy 1G; Autosomal recessive limb-girdle muscular dystrophy type 2J. Last evaluated: 2026-01-25. Review status: criteria provided, single submitter. Criteria: Invitae Variant Classification Sherloc (09022015). Collection method: clinical testing. Allele origin: germline.

Molecular Diagnostic Laboratory for Inherited Cardiovascular Disease, Montreal Heart Institute
Classification: Likely benign. Last evaluated: 2025-04-09. Review status: criteria provided, single submitter. Criteria: ACMG Guidelines, 2015. Collection method: clinical testing. Allele origin: germline. Affected: no.

Revvity Omics, Revvity
Classification: Uncertain significance. Last evaluated: 2024-08-29. Review status: criteria provided, single submitter. Criteria: ACMG Guidelines, 2015. Collection method: clinical testing. Allele origin: germline.

Ambry Genetics
Classification: Likely benign for Cardiovascular phenotype. Last evaluated: 2020-03-09. Review status: criteria provided, single submitter. Criteria: Ambry Variant Classification Scheme 2023. Collection method: clinical testing. Allele origin: germline.

Athena Diagnostics
Classification: Likely benign. Last evaluated: 2020-03-03. Review status: criteria provided, single submitter. Criteria: Athena Diagnostics Criteria. Collection method: clinical testing. Allele origin: unknown.

Institute of Human Genetics, University of Leipzig Medical Center
Classification: Uncertain significance for Hypertrophic cardiomyopathy 9. Last evaluated: 2019-01-01. Review status: criteria provided, single submitter. Criteria: ACMG Guidelines, 2015. Collection method: clinical testing. Allele origin: unknown. Affected: yes.
Comment: This variant was identified as compound heterozygous.

GeneDx
Classification: Uncertain significance. Last evaluated: 2016-10-14. Review status: criteria provided, single submitter. Criteria: GeneDx Variant Classification (06012015). Collection method: clinical testing. Allele origin: germline. Affected: yes.
Comment: Missense variants in the TTN gene are considered 'unclassified' if they are not previously reported in the literature and do not have >1% frequency in the population to be considered a polymorphism. Research indicates that truncating mutations in the TTN gene are expected to account for approximately 25% of familial and 18% of sporadic idiopathic DCM; however, truncating variants in the TTN gene have been reported in approximately 3% of reported control alleles. There has been little investigation into non-truncating variants. (Herman D et al. Truncations of titin causing dilated cardiomyopathy. N Eng J Med 366:619-628, 2012) The variant is found in CARDIOMYOPATHY panel(s).

Eurofins Ntd Llc (ga)
Classification: Uncertain significance. Last evaluated: 2015-11-10. Review status: criteria provided, single submitter. Criteria: EGL Classification Definitions 2015. Collection method: clinical testing. Allele origin: germline. Observed: 2 variant alleles, 2 heterozygotes.